The following is an entry in ClinVar:

ClinVar aggregate classification (germline): Likely pathogenic (1 of 4 stars; one submission).

Conditions:
Lynch syndrome 5 (LYNCH5). Also called: Colorectal cancer, hereditary nonpolyposis, type 5; Hereditary non-polyposis colorectal cancer, type 5. Identifiers: Orphanet 144, MedGen C1833477, MONDO:0013710, OMIM 614350. Disease mechanism: loss of function.

Submission:

Myriad Genetics, Inc.
Classification: Likely pathogenic for Lynch syndrome 5. Last evaluated: 2025-02-18. Review status: criteria provided, single submitter. Criteria: Myriad Autosomal Dominant, Autosomal Recessive and X-Linked Classification Criteria (2023). Collection method: clinical testing. Allele origin: unknown.
Comment: This variant is considered likely pathogenic. Functional studies indicate this variant impacts protein function [PMID: 31965077]. This variant is expected to disrupt protein structure [Myriad internal data].

Literature cited by the submitters: PubMed 31965077.

NM_000179.3(MSH6):c.2900T>A (p.Ile967Lys)

Gene: MSH6 (mutS homolog 6; plus strand). Cytogenetic location: 2p16.3.
Variant type: single nucleotide variant.
Coding change: c.2900T>A on transcript NM_000179.3 (MANE Select); coding-DNA position 2900, T replaced by A.
Protein change: p.Ile967Lys; replaces isoleucine 967 with lysine.
Molecular consequence: missense variant. On other transcripts: non-coding transcript variant (5), intron variant (2).
Genome position (GRCh38, 1-based): chr2:47,800,883, T>A. VCF-style: chr2-47800883-T-A. GRCh37 (hg19) VCF-style: chr2-48028022-T-A.
Other names: c.2510T>A, p.Ile837Lys (NM_001281492.2); c.1994T>A, p.Ile665Lys (NM_001281493.2, NM_001281494.2, NM_001406811.1 and 6 more transcripts); c.2996T>A, p.Ile999Lys (NM_001406795.1, NM_001406802.1); c.2900T>A, p.Ile967Lys (NM_001406796.1, NM_001406798.1, NM_001406800.1 and 2 more transcripts); c.2603T>A, p.Ile868Lys (NM_001406797.1, NM_001406801.1, NM_001406805.1 and 10 more transcripts); c.2375T>A, p.Ile792Lys (NM_001406799.1, NM_001406806.1, NM_001406807.1); c.2822T>A, p.Ile941Lys (NM_001406804.1); c.2906T>A, p.Ile969Lys (NM_001406813.1); and 4 more; short protein forms I282K, I665K, I792K, I837K, I868K, I911K, I941K, I967K.
Identifiers: ClinVar variation 3904293 (VCV003904293.1).